The following is an entry in ClinVar:

NM_000321.3(RB1):c.722C>T (p.Thr241Ile)

Gene: RB1 (RB transcriptional corepressor 1; plus strand). Cytogenetic location: 13q14.2.
Variant type: single nucleotide variant.
Coding change: c.722C>T on transcript NM_000321.3 (MANE Select); coding-DNA position 722, C replaced by T.
Protein change: p.Thr241Ile; replaces threonine 241 with isoleucine.
Molecular consequence: missense variant.
Genome position (GRCh38, 1-based): chr13:48,362,818, C>T. VCF-style: chr13-48362818-C-T. GRCh37 (hg19) VCF-style: chr13-48936954-C-T.
Other names: short protein forms T241I.
Identifiers: ClinVar variation 826921 (VCV000826921.11), dbSNP rs1593445085, ClinGen allele CA388159225.

ClinVar aggregate classification (germline): Uncertain significance. Review status: criteria provided, multiple submitters, no conflicts (2 of 4 stars). 3 submissions from 3 submitters: Uncertain significance (3). Last evaluated 2023-03-23.

Conditions:
Hereditary cancer-predisposing syndrome. Also called: Neoplastic Syndromes, Hereditary; Tumor predisposition; Hereditary neoplastic syndrome; Hereditary Cancer Syndrome. Identifiers: Orphanet 140162, MedGen C0027672, MeSH D009386, MONDO:0015356.
Retinoblastoma (RB1). Also called: RETINOBLASTOMA, SOMATIC. Identifiers: Orphanet 790, MedGen C0035335, MeSH D012175, MONDO:0008380, OMIM 180200, HP:0009919. Disease mechanism: loss of function. Inheritance: Both sporadic and heritable forms are tested..

Allele frequency attached by ClinVar (database versions not stated): gnomAD exomes below 0.00001.
gnomAD v4.1: 1 of 1,613,442 alleles (0.000062%); highest among the groups gnomAD compares: Non-Finnish European, 0.000085%; no homozygotes.

Submissions (3):

All of Us Research Program, National Institutes of Health
Classification: Uncertain significance for Retinoblastoma. Last evaluated: 2023-03-23. Review status: criteria provided, single submitter. Criteria: ACMG Guidelines, 2015. Collection method: clinical testing. Allele origin: germline. Inheritance: Autosomal dominant inheritance. Observed: 1 variant allele, 1 heterozygote.
Comment: This missense variant replaces threonine with isoleucine at codon 241 of the RB1 protein. Computational prediction suggests that this variant may not impact protein structure and function (internally defined REVEL score threshold <= 0.5, PMID: 27666373). To our knowledge, functional studies have not been reported for this variant. This variant has not been reported in individuals affected with RB1-related disorders in the literature. This variant has not been identified in the general population by the Genome Aggregation Database (gnomAD). The available evidence is insufficient to determine the role of this variant in disease conclusively. Therefore, this variant is classified as a Variant of Uncertain Significance.

This study involves interpretation of variants in research participants for the purpose of population health screening. Participant phenotype was not available at the time of variant classification. Additional details can be found in publication PMID: 35346344, PMCID: PMC8962531

Labcorp Genetics (formerly Invitae), Labcorp
Classification: Uncertain significance for Retinoblastoma. Last evaluated: 2021-09-07. Review status: criteria provided, single submitter. Criteria: Invitae Variant Classification Sherloc (09022015). Collection method: clinical testing. Allele origin: germline.
Comment: This variant has not been reported in the literature in individuals affected with RB1-related conditions. This variant is not present in population databases (ExAC no frequency). This sequence change replaces threonine with isoleucine at codon 241 of the RB1 protein (p.Thr241Ile). The threonine residue is moderately conserved and there is a moderate physicochemical difference between threonine and isoleucine. In summary, the available evidence is currently insufficient to determine the role of this variant in disease. Therefore, it has been classified as a Variant of Uncertain Significance. Algorithms developed to predict the effect of missense changes on protein structure and function are either unavailable or do not agree on the potential impact of this missense change (SIFT: "Deleterious"; PolyPhen-2: "Possibly Damaging"; Align-GVGD: "Class C15").

Ambry Genetics
Classification: Uncertain significance for Hereditary cancer-predisposing syndrome. Last evaluated: 2018-01-05. Review status: criteria provided, single submitter. Criteria: Ambry Variant Classification Scheme 2023. Collection method: clinical testing. Allele origin: germline.
Comment: The p.T241I variant (also known as c.722C>T), located in coding exon 8 of the RB1 gene, results from a C to T substitution at nucleotide position 722. The threonine at codon 241 is replaced by isoleucine, an amino acid with similar properties. This amino acid position is highly conserved through mammalian species. In addition, the in silico prediction for this alteration is inconclusive. Since supporting evidence is limited at this time, the clinical significance of this alteration remains unclear.